The following is an entry in ClinVar:

NM_000283.4(PDE6B):c.992+1G>C

Genes: PDE6B (phosphodiesterase 6B; plus strand), PDE6B-AS1 (PDE6B antisense RNA 1; minus strand). Cytogenetic location: 4p16.3.
Variant type: single nucleotide variant.
Coding change: c.992+1G>C on transcript NM_000283.4 (MANE Select); the canonical splice donor site of the intron after coding-DNA position 992, G replaced by C.
Molecular consequence: splice donor variant.
Genome position (GRCh38, 1-based): chr4:654,889, G>C. VCF-style: chr4-654889-G-C. GRCh37 (hg19) VCF-style: chr4-648678-G-C.
Other names: c.992+1G>C (NM_001145291.2); c.155+1G>C (NM_001379246.1, NM_001379247.1, NM_001145292.2 and 1 more transcripts); c.-49+1G>C (NM_001350155.3).
Identifiers: ClinVar variation 1066621 (VCV001066621.9), dbSNP rs898144119, ClinGen allele CA355912301.
Genomic context (GRCh38, chr4:654,889, plus strand): 5'-TGTCTTCTACAAAGTGATCGACTACGTCCTCCACGGCAAGGAGGAGATCAAGGTCATTCC[G>C]TAAGTGCAGGATTTTACCAGAAGCGTCCCCGGGGGAGGGACCGCCCCTCAGACCCCGGCT-3'

ClinVar aggregate classification (germline): Pathogenic (1 of 4 stars; one submission).

gnomAD v4.1: 1 of 1,501,352 alleles (0.000067%); highest among the groups gnomAD compares: Non-Finnish European, 0.000093%; no homozygotes.

Submission:

Labcorp Genetics (formerly Invitae), Labcorp
Classification: Pathogenic. Last evaluated: 2025-01-15. Review status: criteria provided, single submitter. Criteria: Invitae Variant Classification Sherloc (09022015). Collection method: clinical testing. Allele origin: germline.
Comment: This sequence change affects a donor splice site in intron 6 of the PDE6B gene. It is expected to disrupt RNA splicing. Variants that disrupt the donor or acceptor splice site typically lead to a loss of protein function (PMID: 16199547), and loss-of-function variants in PDE6B are known to be pathogenic (PMID: 8394174, 8595886, 22334370). This variant is not present in population databases (gnomAD no frequency). Disruption of this splice site has been observed in individuals with autosomal recessive retinal dystrophy (PMID: 26355662, 30054919, 35272565). It has also been observed to segregate with disease in related individuals. ClinVar contains an entry for this variant (Variation ID: 1066621). Algorithms developed to predict the effect of sequence changes on RNA splicing suggest that this variant may disrupt the consensus splice site. For these reasons, this variant has been classified as Pathogenic.

Literature cited by the submitters: PubMed 16199547; PubMed 8394174; PubMed 8595886; PubMed 22334370; PubMed 26355662; PubMed 30054919; PubMed 35272565.